The following is an entry in ClinVar:

ClinVar aggregate classification (germline): Likely pathogenic (1 of 4 stars; one submission).

Conditions:
Congenital myotonia, autosomal recessive form. Also called: BECKER DISEASE; Becker Generalized Myotonia; myotonia congenita, autosomal recessive. Identifiers: Orphanet 614, MedGen C0751360, MONDO:0009715, OMIM 255700.

Submission:

3billion
Classification: Likely pathogenic for Congenital myotonia, autosomal recessive form. Last evaluated: 2025-07-07. Review status: criteria provided, single submitter. Criteria: ACMG Guidelines, 2015. Collection method: clinical testing. Allele origin: germline. Affected: yes.
Comment: The variant is not observed in the gnomAD v4.1.0 dataset. Predicted Consequence/Location: Frameshift: predicted to result in a loss or disruption of normal protein function through nonsense-mediated decay (NMD) or protein truncation. Multiple pathogenic variants are reported downstream of the variant. Therefore, this variant is classified as Likely pathogenic according to the recommendation of ACMG/AMP guideline.

NM_000083.3(CLCN1):c.1737_1738del (p.Asp579fs)

Gene: CLCN1 (chloride voltage-gated channel 1; plus strand). Cytogenetic location: 7q34.
Variant type: Deletion.
Coding change: c.1737_1738del on transcript NM_000083.3 (MANE Select); coding-DNA positions 1737 to 1738, 2 bases deleted (CA; older notation c.1737_1738delCA).
Protein change: p.Asp579fs; shifts the reading frame from aspartic acid 579.
Molecular consequence: frameshift variant. On other transcripts: non-coding transcript variant (1).
Genome position (GRCh38, 1-based): chr7:143,342,083-143,342,084, CA deleted; deleting any 2 consecutive bases within chr7:143,342,082-143,342,084 gives the same sequence; the c. name uses the placement nearest the transcript's 3' end. VCF-style (leftmost placement, unchanged base first): chr7-143342081-GAC-G. GRCh37 (hg19) VCF-style: chr7-143039174-GAC-G.
Other names: short protein forms D579fs.
Identifiers: ClinVar variation 4854734 (VCV004854734.1).
Genomic context (GRCh38, chr7:143,342,081, plus strand): 5'-ATGATGGTGGCTGTTATCTTGGCCAACATGGTGGCCCAGAGCCTGCAGCCCTCTCTCTAT[GAC>G]AGCATCATCCAGGTCAAGAAGCTACCCTACTTGCCTGACCTTGGCTGGAACCAGCTCAGG-3'